The following is an entry in ClinVar:

NM_206926.2(SELENON):c.1286-1G>C

Gene: SELENON (selenoprotein N; plus strand). Cytogenetic location: 1p36.11.
Variant type: single nucleotide variant.
Coding change: c.1286-1G>C on transcript NM_206926.2 (MANE Select); the canonical splice acceptor site of the intron before coding-DNA position 1286, G replaced by C.
Molecular consequence: splice acceptor variant.
Genome position (GRCh38, 1-based): chr1:25,813,880, G>C. VCF-style: chr1-25813880-G-C. GRCh37 (hg19) VCF-style: chr1-26140371-G-C.
Other names: NM_206926.2:c.1286-1G>C; c.1388-1G>C (NM_020451.3).
Identifiers: ClinVar variation 2412682 (VCV002412682.1), dbSNP rs767434277, ClinGen allele CA696870.
Genomic context (GRCh38, chr1:25,813,880, plus strand): 5'-AAAGCAAGATTGCACCCCAGCAAGATGTGGGGGCGCCTCACCCTTCTGTCTTCCTGAACA[G>C]GTTCAGGGCGGACTCTCCGGGAGACTGTCCTGGAAAGTTCGCCCATCCTCACCCTGCTCA-3'

ClinVar aggregate classification (germline): Uncertain significance (1 of 4 stars; one submission).

Conditions:
Eichsfeld type congenital muscular dystrophy (CMYO3). Also called: MYOPATHY, SEPN1-RELATED; SELENON-related myopathy; Congenital myopathy 3 with rigid spine; Rigid spine muscular dystrophy 1. Identifiers: MedGen C0410180, MONDO:0100100, OMIM 602771.

Allele frequency attached by ClinVar (database versions not stated): gnomAD exomes below 0.00001; ExAC 0.00001.
gnomAD v4.1: 1 of 1,612,586 alleles (0.000062%); highest among the groups gnomAD compares: Non-Finnish European, 0.000085%; no homozygotes.

Submission:

Broad Center for Mendelian Genomics, Broad Institute of MIT and Harvard
Classification: Uncertain significance. Last evaluated: 2023-01-24. Review status: criteria provided, single submitter. Criteria: ACMG Guidelines, 2015. Collection method: curation. Allele origin: germline. Inheritance: Autosomal recessive inheritance.
Comment: The c.1388-1G>C variant in SELENON has been reported in 1 individual in the homozygous state with SELENON-RM (PMID: 20937510), segregated with disease in 1 affected relative from 1 family (PMID: 20937510), and has been identified in 0.0009% (1/113086) of European (non-Finnish) chromosomes by the Genome Aggregation Database (gnomAD; dbSNP ID: rs767434277). Although this variant has been seen in the general population in a heterozygous state, its frequency is low enough to be consistent with a recessive carrier frequency. This variant is located in the 3' splice region. Computational tools predict a splicing impact, though this information is not predictive enough to determine pathogenicity. There is an in-frame cryptic splice site 6 bases from the intron-exon boundary, providing evidence that this variant may delete 2 amino acids instead of causing loss of function. However, this information is not predictive enough to determine pathogenicity. Loss of function of the SELENON gene is an established disease mechanism in autosomal recessive SELENON-RM. In summary, while there is some suspicion for a pathogenic role, the clinical significance of this variant is uncertain. ACMG/AMP Criteria applied: PVS1_moderate, PM2_supporting, PM3_supporting (Richards 2015).